The following is an entry in ClinVar:

ClinVar aggregate classification (germline): Likely benign. Review status: criteria provided, multiple submitters, no conflicts (2 of 4 stars). 2 submissions from 2 submitters: Likely benign (2). Last evaluated 2024-01-13.

Conditions:
MEGF10-related myopathy (CMYO10A). Also called: Congenital myopathy 10A, severe variant. Identifiers: Orphanet 439212, MedGen C3280679, MONDO:0013731, OMIM 614399.

Allele frequency attached by ClinVar (database versions not stated): gnomAD 0.00001; TOPMed 0.00001; gnomAD exomes 0.00002; ESP Exome Variant Server 0.00008.
gnomAD v4.1: 28 of 1,613,922 alleles (0.0017%); highest among the groups gnomAD compares: Non-Finnish European, 0.0023%; no homozygotes.

Submissions (2):

Labcorp Genetics (formerly Invitae), Labcorp
Classification: Likely benign for MEGF10-related myopathy. Last evaluated: 2024-01-13. Review status: criteria provided, single submitter. Criteria: Invitae Variant Classification Sherloc (09022015). Collection method: clinical testing. Allele origin: germline.

GeneDx
Classification: Likely benign. Last evaluated: 2017-06-16. Review status: criteria provided, single submitter. Criteria: GeneDx Variant Classification (06012015). Collection method: clinical testing. Allele origin: germline. Affected: yes.
Comment: This variant is considered likely benign or benign based on one or more of the following criteria: it is a conservative change, it occurs at a poorly conserved position in the protein, it is predicted to be benign by multiple in silico algorithms, and/or has population frequency not consistent with disease.

NM_001256545.2(MEGF10):c.1278A>G (p.Gly426=)

Gene: MEGF10 (multiple EGF like domains 10; plus strand). Cytogenetic location: 5q23.2.
Variant type: single nucleotide variant.
Coding change: c.1278A>G on transcript NM_001256545.2 (MANE Select); coding-DNA position 1278, A replaced by G.
Protein change: p.Gly426=; no amino-acid change (glycine 426 retained).
Molecular consequence: synonymous variant.
Genome position (GRCh38, 1-based): chr5:127,417,785, A>G. VCF-style: chr5-127417785-A-G. GRCh37 (hg19) VCF-style: chr5-126753477-A-G.
Other names: c.1278A>G, p.Gly426= (NM_001308119.2, NM_001308121.2, NM_032446.3).
Identifiers: ClinVar variation 510268 (VCV000510268.11), dbSNP rs139438683, ClinGen allele CA126947685.
Genomic context (GRCh38, chr5:127,417,785, plus strand): 5'-GGAAGCTTGCCAGCAGATCTGCAGCTGCCAAAATGGGGCAGACTGTGACAGTGTGACTGG[A>G]AAGTGCACCTGTGCCCCAGGATTCAAAGTGAGTGACTAGGGCTCTGGAGGAAGGAGAAGA-3'
Protein context (NP_001243474.1, residues 416-436): QNGADCDSVT[Gly426=]KCTCAPGFKG